The following is an entry in ClinVar:

NM_001204.7(BMPR2):c.1536del (p.Lys512fs)

Gene: BMPR2 (bone morphogenetic protein receptor type 2; plus strand). Cytogenetic location: 2q33.2.
Variant type: Deletion.
Coding change: c.1536del on transcript NM_001204.7 (MANE Select); coding-DNA position 1536, one base deleted (A; older notation c.1536delA).
Protein change: p.Lys512fs; shifts the reading frame from lysine 512.
Molecular consequence: frameshift variant.
Genome position (GRCh38, 1-based): chr2:202,552,838, A deleted; the last of 3 consecutive A bases (chr2:202,552,836-202,552,838); deleting any one gives the same sequence. VCF-style (leftmost placement, unchanged base first): chr2-202552835-CA-C. GRCh37 (hg19) VCF-style: chr2-203417558-CA-C.
Other names: short protein forms K512fs.
Identifiers: ClinVar variation 660183 (VCV000660183.8), dbSNP rs1574505369, ClinGen allele CA915941657.

ClinVar aggregate classification (germline): Pathogenic (1 of 4 stars; one submission).

Conditions:
Primary pulmonary hypertension. Also called: Idiopathic pulmonary hypertension. Identifiers: MedGen C0152171.

Submission:

Labcorp Genetics (formerly Invitae), Labcorp
Classification: Pathogenic for Primary pulmonary hypertension. Last evaluated: 2018-12-25. Review status: criteria provided, single submitter. Criteria: Invitae Variant Classification Sherloc (09022015). Collection method: clinical testing. Allele origin: germline.
Comment: For these reasons, this variant has been classified as Pathogenic. Loss-of-function variants in BMPR2 are known to be pathogenic (PMID: 16429395). This variant has not been reported in the literature in individuals with BMPR2-related conditions. This variant is not present in population databases (ExAC no frequency). This sequence change creates a premature translational stop signal (p.Lys512Asnfs*3) in the BMPR2 gene. It is expected to result in an absent or disrupted protein product.

Literature cited by the submitters: PubMed 16429395.